The following is an entry in ClinVar:

ClinVar aggregate classification (germline): Conflicting classifications of pathogenicity. Review status: criteria provided, conflicting classifications (1 of 4 stars). 6 submissions from 6 submitters: Pathogenic (1); Likely pathogenic (3); Uncertain significance (2). Last evaluated 2024-10-21.

Conditions:
Fibrosis of extraocular muscles, congenital, 3A, with or without extraocular involvement. Also called: CONGENITAL FIBROSIS OF EXTRAOCULAR MUSCLES 3A; FEOM3 LOCUS. Identifiers: MedGen C2748801, MONDO:0010912, OMIM 600638.
Complex cortical dysplasia with other brain malformations 1. Identifiers: Orphanet 300570, MedGen C3808397, MONDO:0013541, OMIM 614039.

Submissions (6):

Clinical Genetics and Genomics, Karolinska University Hospital
Classification: Likely pathogenic for Complex cortical dysplasia with other brain malformations 1. Last evaluated: 2024-10-21. Review status: criteria provided, single submitter. Criteria: ACMG Guidelines, 2015. Collection method: clinical testing. Allele origin: de novo. Inheritance: Autosomal dominant inheritance. Affected: yes.

Victorian Clinical Genetics Services, Murdoch Childrens Research Institute
Classification: Likely pathogenic for Complex cortical dysplasia with other brain malformations 1. Last evaluated: 2023-12-21. Review status: criteria provided, single submitter. Criteria: ACMG Guidelines, 2015. Collection method: clinical testing. Allele origin: germline. Inheritance: Autosomal dominant inheritance. Affected: yes.
Comment: Based on the classification scheme VCGS_Germline_v1.3.4, this variant is classified as Likely Pathogenic. Following criteria are met: 0104 - Dominant negative is a known mechanism of disease in this gene and is associated with cortical dysplasia, complex, with other brain malformations 1 (MIM#614039) and fibrosis of extraocular muscles, congenital, 3A (MIM#600638) (PMID: 31219644). (I) 0107 - This gene is associated with autosomal dominant disease. (I) 0200 - Variant is predicted to result in a missense amino acid change from proline to leucine. (I) 0251 - This variant is heterozygous. (I) 0301 - Variant is absent from gnomAD (both v2 and v3). (SP) 0502 - Missense variant with conflicting in silico predictions and uninformative conservation. (I) 0603 - Missense variant in a region that is highly intolerant to missense variation (high constraint region in DECIPHER). (SP) 0704 - Another missense variant comparable to the one identified in this case has limited previous evidence for pathogenicity. p.(Pro243Arg) has been classified as likely pathogenic in ClinVar. (SP) 0802 - This variant has moderate previous evidence of pathogenicity in unrelated individuals. This variant has been classified as pathogenic or likely pathogenic by multiple clinical laboratories in ClinVar, and also has two older VUS classifications. This variant has also been observed in a mother and her fetus, as well as another unrelated individual with TUBB3-related symptoms (PMID: 30108342, 31269740). (SP) 1002 - This variant has moderate functional evidence supporting abnormal protein function. This variant causes reduced neuronal gene expression in C. elegans. (PMID:26441521). (SP) 1102 - Strong phenotype match for this individual. (SP) 1208 - Inheritance information for this variant is not currently available in this individual. (I) Legend: (SP) - Supporting pathogenic, (I) - Information, (SB) - Supporting benign

GeneDx
Classification: Pathogenic. Last evaluated: 2021-11-05. Review status: criteria provided, single submitter. Criteria: GeneDx Variant Classification Process June 2021. Collection method: clinical testing. Allele origin: germline. Affected: yes.
Comment: Observed previously in a deceased fetus with a complex brain malformation and dysmorphic features and was inherited from a mother with abnormal brain imaging (Reches et al., 2018); Not observed in large population cohorts (Lek et al., 2016); Missense variants in this gene are often considered pathogenic (Stenson et al., 2014); In silico analysis supports that this missense variant has a deleterious effect on protein structure/function; This variant is associated with the following publications: (PMID: 32169460, 30108342, 20829227)

Genetics Institute, Tel Aviv Sourasky Medical Center
Classification: Likely pathogenic for Complex cortical dysplasia with other brain malformations 1. Last evaluated: 2021-05-12. Review status: criteria provided, single submitter. Criteria: ACMG Guidelines, 2015. Collection method: clinical testing. Allele origin: inherited. Inheritance: Autosomal dominant inheritance.

Fulgent Genetics
Classification: Uncertain significance for Fibrosis of extraocular muscles, congenital, 3A, with or without extraocular involvement; Complex cortical dysplasia with other brain malformations 1. Last evaluated: 2018-10-31. Review status: criteria provided, single submitter. Criteria: ACMG Guidelines, 2015. Collection method: clinical testing. Allele origin: unknown.

Genetic Services Laboratory, University of Chicago
Classification: Uncertain significance for Cortical dysplasia, complex, with other brain malformations 1. Last evaluated: 2014-04-18. Review status: criteria provided, single submitter. Criteria: ACMG Guidelines, 2007. Collection method: clinical testing. Allele origin: germline. Inheritance: Autosomal dominant inheritance.

Literature cited by the submitters: PubMed 26441521 (cited by Victorian Clinical Genetics Services, Murdoch Childrens Research Institute); PubMed 30108342 (cited by Victorian Clinical Genetics Services, Murdoch Childrens Research Institute); PubMed 31269740 (cited by Victorian Clinical Genetics Services, Murdoch Childrens Research Institute); PubMed 31219644 (cited by Victorian Clinical Genetics Services, Murdoch Childrens Research Institute).

NM_006086.4(TUBB3):c.728C>T (p.Pro243Leu)

Gene: TUBB3 (tubulin beta 3 class III; plus strand). Cytogenetic location: 16q24.3.
Variant type: single nucleotide variant.
Coding change: c.728C>T on transcript NM_006086.4 (MANE Select); coding-DNA position 728, C replaced by T.
Protein change: p.Pro243Leu; replaces proline 243 with leucine.
Molecular consequence: missense variant.
Genome position (GRCh38, 1-based): chr16:89,935,179, C>T. VCF-style: chr16-89935179-C-T. GRCh37 (hg19) VCF-style: chr16-90001587-C-T.
Other names: c.512C>T, p.Pro171Leu (NM_001197181.2); short protein forms P171L, P243L.
Identifiers: ClinVar variation 160195 (VCV000160195.15), dbSNP rs587784506, ClinGen allele CA213298.